The following is an entry in ClinVar:

ClinVar aggregate classification (germline): Uncertain significance (1 of 4 stars; one submission).

Submission:

GeneDx
Classification: Uncertain significance. Last evaluated: 2024-01-17. Review status: criteria provided, single submitter. Criteria: GeneDx Variant Classification Process June 2021. Collection method: clinical testing. Allele origin: germline. Affected: yes.
Comment: Not observed at significant frequency in large population cohorts (gnomAD); In silico analysis supports that this missense variant does not alter protein structure/function; Has not been previously published as pathogenic or benign to our knowledge

NM_013450.4(BAZ2B):c.3283A>T (p.Met1095Leu)

Gene: BAZ2B (bromodomain adjacent to zinc finger domain 2B; minus strand). Cytogenetic location: 2q24.2.
Variant type: single nucleotide variant.
Coding change: c.3283A>T on transcript NM_013450.4 (MANE Select); coding-DNA position 3283, A replaced by T.
Protein change: p.Met1095Leu; replaces methionine 1095 with leucine.
Molecular consequence: missense variant.
Genome position (GRCh38, 1-based): chr2:159,386,541, T>A on the plus strand (A>T on the coding strand, the complement: BAZ2B is on the minus strand). VCF-style: chr2-159386541-T-A. GRCh37 (hg19) VCF-style: chr2-160243052-T-A.
Other names: c.3175A>T, p.Met1059Leu (NM_001289975.1); c.3121A>T, p.Met1041Leu (NM_001329857.2); c.3208A>T, p.Met1070Leu (NM_001329858.2); short protein forms M1041L, M1059L, M1070L, M1095L.
Identifiers: ClinVar variation 3367878 (VCV003367878.1).
Genomic context (GRCh38, chr2:159,386,541, plus strand): 5'-CATCAATATTCACATCAAAGCCCAAAACTTTACCAAAGTTTCGTAAGAACTGCACCACCA[T>A]GAGACAGTCTGAAAATGTACTTCCAGAGAGAACAAGTCCTGGAATACGAGGCAACTCTGG-3'
Protein context (NP_038478.2, residues 1085-1105): LSGSTFSDCL[Met1095Leu]VVQFLRNFGK